The following is an entry in ClinVar:

NM_000528.4(MAN2B1):c.1754G>T (p.Arg585Leu)

Gene: MAN2B1 (mannosidase alpha class 2B member 1; minus strand). Cytogenetic location: 19p13.13.
Variant type: single nucleotide variant.
Coding change: c.1754G>T on transcript NM_000528.4 (MANE Select); coding-DNA position 1754, G replaced by T.
Protein change: p.Arg585Leu; replaces arginine 585 with leucine.
Molecular consequence: missense variant.
Genome position (GRCh38, 1-based): chr19:12,655,770, C>A on the plus strand (G>T on the coding strand, the complement: MAN2B1 is on the minus strand). VCF-style: chr19-12655770-C-A. GRCh37 (hg19) VCF-style: chr19-12766584-C-A.
Other names: c.1751G>T, p.Arg584Leu (NM_001173498.2); short protein forms R584L, R585L.
Identifiers: ClinVar variation 1429508 (VCV001429508.8), dbSNP rs1374305848, ClinGen allele CA404244836.
Genomic context (GRCh38, chr19:12,655,770, plus strand): 5'-AAAGCAGGGGACCAGGATCTTCTGGGGATGGGCTGTGGTGCGCGGGCCTGGGGCTTCCAG[C>A]GAGGCACCTGGGCTACTGAATAGGTGCTGAAGCCCAGGGCGGGCAGTGAGGCTGAGAACA-3'
Protein context (NP_000519.2, residues 575-595): FSTYSVAQVP[Arg585Leu]WKPQARAPQP

ClinVar aggregate classification (germline): Uncertain significance (1 of 4 stars; one submission).

Conditions:
Deficiency of alpha-mannosidase (MANSA). Also called: Mannosidosis, alpha-, types I and II; LYSOSOMAL ALPHA-D-MANNOSIDASE DEFICIENCY; Alpha-Mannosidosis. Identifiers: Orphanet 61, MedGen C0024748, MONDO:0009561, OMIM 248500.

Allele frequency attached by ClinVar (database versions not stated): TOPMed below 0.00001.

Submission:

Labcorp Genetics (formerly Invitae), Labcorp
Classification: Uncertain significance for Deficiency of alpha-mannosidase. Last evaluated: 2024-03-04. Review status: criteria provided, single submitter. Criteria: Invitae Variant Classification Sherloc (09022015). Collection method: clinical testing. Allele origin: germline.
Comment: This sequence change replaces arginine, which is basic and polar, with leucine, which is neutral and non-polar, at codon 585 of the MAN2B1 protein (p.Arg585Leu). This variant is not present in population databases (gnomAD no frequency). This variant has not been reported in the literature in individuals affected with MAN2B1-related conditions. ClinVar contains an entry for this variant (Variation ID: 1429508). Advanced modeling of protein sequence and biophysical properties (such as structural, functional, and spatial information, amino acid conservation, physicochemical variation, residue mobility, and thermodynamic stability) performed at Invitae indicates that this missense variant is not expected to disrupt MAN2B1 protein function with a negative predictive value of 95%. In summary, the available evidence is currently insufficient to determine the role of this variant in disease. Therefore, it has been classified as a Variant of Uncertain Significance.